The following is an entry in ClinVar:

NM_013266.4(CTNNA3):c.1256A>G (p.His419Arg)

Gene: CTNNA3 (catenin alpha 3; minus strand). Cytogenetic location: 10q21.3.
Variant type: single nucleotide variant.
Coding change: c.1256A>G on transcript NM_013266.4 (MANE Select); coding-DNA position 1256, A replaced by G.
Protein change: p.His419Arg; replaces histidine 419 with arginine.
Molecular consequence: missense variant.
Genome position (GRCh38, 1-based): chr10:66,766,289, T>C on the plus strand (A>G on the coding strand, the complement: CTNNA3 is on the minus strand). VCF-style: chr10-66766289-T-C. GRCh37 (hg19) VCF-style: chr10-68526047-T-C.
Other names: c.1256A>G (NM_013266.2); c.1256A>G, p.His419Arg (NM_001127384.3); short protein forms H419R.
Identifiers: ClinVar variation 963596 (VCV000963596.11), dbSNP rs1292553472, ClinGen allele CA377091822.
Genomic context (GRCh38, chr10:66,766,289, plus strand): 5'-TGGACTTTAGTGAGTTACAGTTCTAGCATGCTTACCTCTACAAGCCTGCTGGTGTGTTCA[T>C]GAAATATCGCAGCATATTCTTTTATTTCCTTTTCCCGGCCATTCTTAGCAGCTTCAATGA-3'
Protein context (NP_037398.2, residues 409-429): KEIKEYAAIF[His419Arg]EHTSRLVEVA

ClinVar aggregate classification (germline): Conflicting classifications of pathogenicity. Review status: criteria provided, conflicting classifications (1 of 4 stars). 2 submissions from 2 submitters: Uncertain significance (1); Likely benign (1). Last evaluated 2023-05-05.

Conditions:
Arrhythmogenic right ventricular dysplasia 13. Also called: Arrhythmogenic right ventricular dysplasia, familial, 13; ARRHYTHMOGENIC RIGHT VENTRICULAR CARDIOMYOPATHY 13. Identifiers: MedGen C3810138, MONDO:0000908, OMIM 615616.

Allele frequency attached by ClinVar (database versions not stated): gnomAD exomes below 0.00001; TOPMed below 0.00001; gnomAD 0.00001.
gnomAD v4.1: 3 of 1,613,778 alleles (0.00019%); highest among the groups gnomAD compares: Non-Finnish European, 0.00025%; no homozygotes.

Submissions (2):

Ambry Genetics
Classification: Likely benign. Last evaluated: 2023-05-05. Review status: criteria provided, single submitter. Criteria: Ambry Variant Classification Scheme 2023. Collection method: clinical testing. Allele origin: germline.

Labcorp Genetics (formerly Invitae), Labcorp
Classification: Uncertain significance for Arrhythmogenic right ventricular dysplasia 13. Last evaluated: 2019-08-29. Review status: criteria provided, single submitter. Criteria: Invitae Variant Classification Sherloc (09022015). Collection method: clinical testing. Allele origin: germline.
Comment: In summary, the available evidence is currently insufficient to determine the role of this variant in disease. Therefore, it has been classified as a Variant of Uncertain Significance. Algorithms developed to predict the effect of missense changes on protein structure and function output the following: SIFT: "Tolerated"; PolyPhen-2: "Benign"; Align-GVGD: "Class C0". The arginine amino acid residue is found in multiple mammalian species, suggesting that this missense change does not adversely affect protein function. These predictions have not been confirmed by published functional studies and their clinical significance is uncertain. This variant has not been reported in the literature in individuals with CTNNA3-related conditions. This variant is not present in population databases (ExAC no frequency). This sequence change replaces histidine with arginine at codon 419 of the CTNNA3 protein (p.His419Arg). The histidine residue is weakly conserved and there is a small physicochemical difference between histidine and arginine.